The following is an entry in ClinVar:

NM_005591.4(MRE11):c.865A>C (p.Ile289Leu)

Gene: MRE11 (MRE11 double strand break repair nuclease; minus strand). Cytogenetic location: 11q21.
Variant type: single nucleotide variant.
Coding change: c.865A>C on transcript NM_005591.4 (MANE Select); coding-DNA position 865, A replaced by C.
Protein change: p.Ile289Leu; replaces isoleucine 289 with leucine.
Molecular consequence: missense variant.
Genome position (GRCh38, 1-based): chr11:94,470,623, T>G on the plus strand (A>C on the coding strand, the complement: MRE11 is on the minus strand). VCF-style: chr11-94470623-T-G. GRCh37 (hg19) VCF-style: chr11-94203789-T-G.
Other names: c.865A>C, p.Ile289Leu (NM_001330347.2, NM_001440460.1, NM_001440461.1 and 18 more transcripts); c.790A>C, p.Ile264Leu (NM_001440479.1, NM_001440471.1, NM_001440472.1); c.520A>C, p.Ile174Leu (NM_001440482.1, NM_001440483.1, NM_001440484.1); c.397A>C, p.Ile133Leu (NM_001440485.1, NM_001440486.1, NM_001440487.1); short protein forms I264L, I289L, I133L, I174L.
Identifiers: ClinVar variation 5024692 (VCV005024692.1).

ClinVar aggregate classification (germline): Uncertain significance (1 of 4 stars; one submission).

Conditions:
Hereditary cancer-predisposing syndrome. Also called: Neoplastic Syndromes, Hereditary; Tumor predisposition; Hereditary neoplastic syndrome; Hereditary Cancer Syndrome. Identifiers: Orphanet 140162, MedGen C0027672, MeSH D009386, MONDO:0015356.

Submission:

Ambry Genetics
Classification: Uncertain significance for Hereditary cancer-predisposing syndrome. Last evaluated: 2026-08-11. Review status: criteria provided, single submitter. Criteria: Ambry Variant Classification Scheme 2023. Collection method: clinical testing. Allele origin: germline.
Comment: The p.I289L variant (also known as c.865A>C), located in coding exon 8 of the MRE11A gene, results from an A to C substitution at nucleotide position 865. The isoleucine at codon 289 is replaced by leucine, an amino acid with highly similar properties. This amino acid position is conserved. In addition, this alteration is predicted to be tolerated by in silico analysis. Based on the available evidence, the clinical significance of this variant remains unclear.